The following is an entry in ClinVar:

ClinVar aggregate classification (germline): Uncertain significance (1 of 4 stars; one submission).

Allele frequency attached by ClinVar (database versions not stated): gnomAD exomes 0.00001; ExAC 0.00002; ESP Exome Variant Server 0.00012.
gnomAD v4.1: 4 of 1,613,790 alleles (0.00025%); highest among the groups gnomAD compares: South Asian, 0.0011%; no homozygotes.

Submission:

Labcorp Genetics (formerly Invitae), Labcorp
Classification: Uncertain significance. Last evaluated: 2022-08-19. Review status: criteria provided, single submitter. Criteria: Invitae Variant Classification Sherloc (09022015). Collection method: clinical testing. Allele origin: germline.
Comment: This sequence change replaces arginine, which is basic and polar, with histidine, which is basic and polar, at codon 1202 of the SKIV2L protein (p.Arg1202His). This variant is present in population databases (rs368453711, gnomAD 0.007%). This variant has not been reported in the literature in individuals affected with SKIV2L-related conditions. ClinVar contains an entry for this variant (Variation ID: 1375719). Algorithms developed to predict the effect of missense changes on protein structure and function are either unavailable or do not agree on the potential impact of this missense change (SIFT: "Tolerated"; PolyPhen-2: "Probably Damaging"; Align-GVGD: "Class C0"). In summary, the available evidence is currently insufficient to determine the role of this variant in disease. Therefore, it has been classified as a Variant of Uncertain Significance.

NM_006929.5(SKIC2):c.3605G>A (p.Arg1202His)

Gene: SKIC2 (SKI2 subunit of superkiller complex; plus strand). Cytogenetic location: 6p21.33.
Variant type: single nucleotide variant.
Coding change: c.3605G>A on transcript NM_006929.5 (MANE Select); coding-DNA position 3605, G replaced by A.
Protein change: p.Arg1202His; replaces arginine 1202 with histidine.
Molecular consequence: missense variant.
Genome position (GRCh38, 1-based): chr6:31,969,579, G>A. VCF-style: chr6-31969579-G-A. GRCh37 (hg19) VCF-style: chr6-31937356-G-A.
Other names: short protein forms R1202H.
Identifiers: ClinVar variation 1375719 (VCV001375719.3), dbSNP rs368453711, ClinGen allele CA3730098.